The following is an entry in ClinVar:

ClinVar aggregate classification (germline): Pathogenic. Review status: criteria provided, multiple submitters, no conflicts (2 of 4 stars). 2 submissions from 2 submitters: Pathogenic (2). Last evaluated 2025-06-03.

Conditions:
Hereditary pancreatitis (PCTT). Also called: Hereditary chronic pancreatitis; PRSS1-Related Hereditary Pancreatitis. Identifiers: Orphanet 676, MedGen C0238339, MONDO:0008185, OMIM 167800.

Allele frequency attached by ClinVar (database versions not stated): gnomAD exomes below 0.00001.

Submissions (2):

Women's Health and Genetics/Laboratory Corporation of America, LabCorp
Classification: Pathogenic for Hereditary pancreatitis. Last evaluated: 2025-06-03. Review status: criteria provided, single submitter. Criteria: LabCorp Variant Classification Summary - May 2015. Collection method: clinical testing. Allele origin: germline.
Comment: Variant summary: SPINK1 c.103G>T (p.Glu35X) results in a premature termination codon, predicted to cause a truncation of the encoded protein or absence of the protein due to nonsense mediated decay, which are commonly known mechanisms for disease. The variant was absent in 249762 control chromosomes. To our knowledge, no occurrence of c.103G>T in individuals affected with Chronic Pancreatitis and no experimental evidence demonstrating its impact on protein function have been reported. ClinVar contains an entry for this variant (Variation ID: 1773780). Based on the evidence outlined above, the variant was classified as pathogenic.

Ambry Genetics
Classification: Pathogenic for Hereditary pancreatitis. Last evaluated: 2015-06-18. Review status: criteria provided, single submitter. Criteria: Ambry Variant Classification Scheme 2023. Collection method: clinical testing. Allele origin: germline.
Comment: The p.E35* pathogenic mutation (also known as c.103G>T) located in coding exon 3 of the SPINK1 gene, results from a G to T substitution at nucleotide position 103. This changes the amino acid from a glutamic acid to a stop codon within coding exon 3. Since premature stop codons are typically deleterious in nature, this alteration is interpreted as a disease-causing mutation (ACMG Recommendations for Standards for Interpretation and Reporting of Sequence Variations. Revision 2007. Genet Med. 2008;10:294).

NM_001379610.1(SPINK1):c.103G>T (p.Glu35Ter)

Gene: SPINK1 (serine peptidase inhibitor Kazal type 1; minus strand). Cytogenetic location: 5q32.
Variant type: single nucleotide variant.
Coding change: c.103G>T on transcript NM_001379610.1 (MANE Select); coding-DNA position 103, G replaced by T.
Protein change: p.Glu35Ter; replaces glutamic acid 35 with a stop codon.
Molecular consequence: nonsense.
Genome position (GRCh38, 1-based): chr5:147,828,113, C>A on the plus strand (G>T on the coding strand, the complement: SPINK1 is on the minus strand). VCF-style: chr5-147828113-C-A. GRCh37 (hg19) VCF-style: chr5-147207676-C-A.
Other names: c.103G>T, p.Glu35Ter (NM_001354966.2, NM_003122.5); short protein forms E35*.
Identifiers: ClinVar variation 1773780 (VCV001773780.3), dbSNP rs2480199266, ClinGen allele CA361885357.